The following is an entry in ClinVar:

ClinVar aggregate classification (germline): Pathogenic (1 of 4 stars; one submission).

Conditions:
CHARGE syndrome (CHARGE). Also called: Hittner Hirsch Kreh syndrome; Coloboma, heart anomaly, choanal atresia, retardation, genital and ear anomalies; CHARGE association; Hall-Hittner syndrome; CHARGE ASSOCIATION--COLOBOMA, HEART ANOMALY, CHOANAL ATRESIA, RETARDATION, GENITAL AND EAR ANOMALIES. Identifiers: Orphanet 138, MedGen C0265354, MONDO:0008965.

Submission:

Labcorp Genetics (formerly Invitae), Labcorp
Classification: Pathogenic for CHARGE syndrome. Last evaluated: 2018-05-29. Review status: criteria provided, single submitter. Criteria: Invitae Variant Classification Sherloc (09022015). Collection method: clinical testing. Allele origin: germline.
Comment: This sequence change creates a premature translational stop signal (p.Lys651Thrfs*59) in the CHD7 gene. It is expected to result in an absent or disrupted protein product. This variant is not present in population databases (ExAC no frequency). This variant has not been reported in the literature in individuals with CHD7-related disease. For these reasons, this variant has been classified as Pathogenic. Loss-of-function variants in CHD7 are known to be pathogenic (PMID: 22461308, 25077900).

Literature cited by the submitters: PubMed 22461308; PubMed 25077900.

NM_017780.4(CHD7):c.1952_1955del (p.Lys651fs)

Genes: CHD7 (chromodomain helicase DNA binding protein 7; plus strand), LOC126860403 (CDK7 strongly-dependent group 2 enhancer GRCh37_chr8:61693034-61694233; plus strand). Cytogenetic location: 8q12.2.
Variant type: Deletion.
Coding change: c.1952_1955del on transcript NM_017780.4 (MANE Select); coding-DNA positions 1952 to 1955, 4 bases deleted (AAGA; older notation c.1952_1955delAAGA).
Protein change: p.Lys651fs; shifts the reading frame from lysine 651.
Molecular consequence: frameshift variant. On other transcripts: intron variant (1).
Genome position (GRCh38, 1-based): chr8:60,781,286-60,781,289, AAGA deleted; deleting any 4 consecutive bases within chr8:60,781,285-60,781,289 gives the same sequence; the c. name uses the placement nearest the transcript's 3' end. VCF-style (leftmost placement, unchanged base first): chr8-60781284-AAAAG-A. GRCh37 (hg19) VCF-style: chr8-61693843-AAAAG-A.
Other names: c.1716+236_1716+239del (NM_001316690.1); short protein forms K651fs.
Identifiers: ClinVar variation 574634 (VCV000574634.7), dbSNP rs1563595101, ClinGen allele CA891843167.